The following is an entry in ClinVar:

NM_001943.5(DSG2):c.2536G>T (p.Asp846Tyr)

Genes: DSG2 (desmoglein 2; plus strand), DSG2-AS1 (DSG2 antisense RNA 1; minus strand). Cytogenetic location: 18q12.1.
Variant type: single nucleotide variant.
Coding change: c.2536G>T on transcript NM_001943.5 (MANE Select); coding-DNA position 2536, G replaced by T.
Protein change: p.Asp846Tyr; replaces aspartic acid 846 with tyrosine.
Molecular consequence: missense variant.
Genome position (GRCh38, 1-based): chr18:31,545,922, G>T. VCF-style: chr18-31545922-G-T. GRCh37 (hg19) VCF-style: chr18-29125885-G-T.
Other names: c.2536G>T (LRG_397t1); short protein forms D846Y.
Identifiers: ClinVar variation 466336 (VCV000466336.11), dbSNP rs1226243364, ClinGen allele CA402144891.

ClinVar aggregate classification (germline): Uncertain significance. Review status: criteria provided, multiple submitters, no conflicts (2 of 4 stars). 3 submissions from 3 submitters: Uncertain significance (3). Last evaluated 2025-11-25.

Conditions:
Cardiovascular phenotype. Identifiers: MedGen CN230736.
Arrhythmogenic right ventricular dysplasia 10. Also called: Arrhythmogenic Right Ventricular Dysplasia/Cardiomyopathy10; ARRHYTHMOGENIC RIGHT VENTRICULAR DYSPLASIA, FAMILIAL, 10; Arrhythmogenic right ventricular dysplasia/cardiomyopathy, type 10. Identifiers: MedGen C1857777, MONDO:0012434, OMIM 610193.

Allele frequency attached by ClinVar (database versions not stated): gnomAD exomes below 0.00001; TOPMed below 0.00001.
gnomAD v4.1: 1 of 1,614,140 alleles (0.000062%); no homozygotes.

Submissions (3):

Women's Health and Genetics/Laboratory Corporation of America, LabCorp
Classification: Uncertain significance. Last evaluated: 2025-11-25. Review status: criteria provided, single submitter. Criteria: LabCorp Variant Classification Summary - May 2015. Collection method: clinical testing. Allele origin: germline.

Ambry Genetics
Classification: Uncertain significance for Cardiovascular phenotype. Last evaluated: 2025-08-28. Review status: criteria provided, single submitter. Criteria: Ambry Variant Classification Scheme 2023. Collection method: clinical testing. Allele origin: germline.

Labcorp Genetics (formerly Invitae), Labcorp
Classification: Uncertain significance for Arrhythmogenic right ventricular dysplasia 10. Last evaluated: 2024-08-15. Review status: criteria provided, single submitter. Criteria: Invitae Variant Classification Sherloc (09022015). Collection method: clinical testing. Allele origin: germline.
Comment: This sequence change replaces aspartic acid, which is acidic and polar, with tyrosine, which is neutral and polar, at codon 846 of the DSG2 protein (p.Asp846Tyr). This variant is present in population databases (no rsID available, gnomAD 0.01%). This variant has not been reported in the literature in individuals affected with DSG2-related conditions. ClinVar contains an entry for this variant (Variation ID: 466336). Invitae Evidence Modeling of protein sequence and biophysical properties (such as structural, functional, and spatial information, amino acid conservation, physicochemical variation, residue mobility, and thermodynamic stability) indicates that this missense variant is not expected to disrupt DSG2 protein function with a negative predictive value of 95%. In summary, the available evidence is currently insufficient to determine the role of this variant in disease. Therefore, it has been classified as a Variant of Uncertain Significance.